The following is an entry in ClinVar:

ClinVar aggregate classification (germline): Conflicting classifications of pathogenicity. Review status: criteria provided, conflicting classifications (1 of 4 stars). 3 submissions from 3 submitters: Uncertain significance (2); Likely benign (1). Last evaluated 2026-07-13.

Conditions:
Tuberous sclerosis 1 (TSC1). Identifiers: Orphanet 805, MedGen C1854465, MONDO:0008612, OMIM 191100.
Tuberous sclerosis syndrome (TSC). Also called: Tuberous Sclerosis Complex; Tuberous sclerosis. Identifiers: Orphanet 805, MedGen C0041341, MONDO:0001734.
Hereditary cancer-predisposing syndrome. Also called: Tumor predisposition; Hereditary Cancer Syndrome; Hereditary neoplastic syndrome; Neoplastic Syndromes, Hereditary. Identifiers: Orphanet 140162, MedGen C0027672, MeSH D009386, MONDO:0015356.

gnomAD v4.1: 1 of 1,614,056 alleles (0.000062%); highest among the groups gnomAD compares: African/African-American, 0.0013%; no homozygotes.

Submissions (3):

Ambry Genetics
Classification: Likely benign for Hereditary cancer-predisposing syndrome. Last evaluated: 2026-07-13. Review status: criteria provided, single submitter. Criteria: Ambry Variant Classification Scheme 2023. Collection method: clinical testing. Allele origin: germline.

Labcorp Genetics (formerly Invitae), Labcorp
Classification: Uncertain significance for Tuberous sclerosis 1. Last evaluated: 2025-07-09. Review status: criteria provided, single submitter. Criteria: Invitae Variant Classification Sherloc (09022015). Collection method: clinical testing. Allele origin: germline.
Comment: This sequence change replaces asparagine, which is neutral and polar, with aspartic acid, which is acidic and polar, at codon 868 of the TSC1 protein (p.Asn868Asp). This variant is not present in population databases (gnomAD no frequency). This variant has not been reported in the literature in individuals affected with TSC1-related conditions. ClinVar contains an entry for this variant (Variation ID: 3386140). Invitae Evidence Modeling of protein sequence and biophysical properties (such as structural, functional, and spatial information, amino acid conservation, physicochemical variation, residue mobility, and thermodynamic stability) indicates that this missense variant is not expected to disrupt TSC1 protein function with a negative predictive value of 95%. In summary, the available evidence is currently insufficient to determine the role of this variant in disease. Therefore, it has been classified as a Variant of Uncertain Significance.

All of Us Research Program, National Institutes of Health
Classification: Uncertain significance for Tuberous sclerosis syndrome. Last evaluated: 2024-05-14. Review status: criteria provided, single submitter. Criteria: ACMG Guidelines, 2015. Collection method: clinical testing. Allele origin: germline. Inheritance: Autosomal dominant inheritance. Observed: 1 variant allele, 1 heterozygote.
Comment: This missense variant replaces asparagine with aspartic acid at codon 868 of the TSC1 protein. Computational prediction suggests that this variant may not impact protein structure and function (internally defined REVEL score threshold <= 0.5, PMID: 27666373). To our knowledge, functional studies have not been reported for this variant. This variant has not been reported in individuals affected with TSC1-related disorders in the literature. This variant has not been identified in the general population by the Genome Aggregation Database (gnomAD). The available evidence is insufficient to determine the role of this variant in disease conclusively. Therefore, this variant is classified as a Variant of Uncertain Significance.

This study involves interpretation of variants in research participants for the purpose of population health screening. Participant phenotype was not available at the time of variant classification. Additional details can be found in publication PMID: 35346344, PMCID: PMC8962531

NM_000368.5(TSC1):c.2602A>G (p.Asn868Asp)

Gene: TSC1 (TSC complex subunit 1; minus strand). Cytogenetic location: 9q34.13.
Variant type: single nucleotide variant.
Coding change: c.2602A>G on transcript NM_000368.5 (MANE Select); coding-DNA position 2602, A replaced by G.
Protein change: p.Asn868Asp; replaces asparagine 868 with aspartic acid.
Molecular consequence: missense variant. On other transcripts: non-coding transcript variant (5).
Genome position (GRCh38, 1-based): chr9:132,900,738, T>C on the plus strand (A>G on the coding strand, the complement: TSC1 is on the minus strand). VCF-style: chr9-132900738-T-C. GRCh37 (hg19) VCF-style: chr9-135776125-T-C.
Other names: c.2446A>G, p.Asn816Asp (NM_001406611.1, NM_001406612.1); c.2404A>G, p.Asn802Asp (NM_001406613.1); c.2239A>G, p.Asn747Asp (NM_001406614.1, NM_001406615.1, NM_001406616.1 and 4 more transcripts); c.2236A>G, p.Asn746Asp (NM_001406620.1, NM_001406621.1, NM_001406622.1 and 1 more transcripts); c.2599A>G, p.Asn867Asp (NM_001162426.2, NM_001406597.1, NM_001406598.1 and 2 more transcripts); c.2449A>G, p.Asn817Asp (NM_001162427.2, NM_001406610.1); c.2602A>G, p.Asn868Asp (NM_001406592.1, NM_001406593.1, NM_001406594.1 and 2 more transcripts); c.2587A>G, p.Asn863Asp (NM_001406601.1, NM_001406602.1); and 8 more; short protein forms N517D, N550D, N551D, N732D, N733D, N746D, N747D, N802D.
Identifiers: ClinVar variation 3386140 (VCV003386140.4).